The following is an entry in ClinVar:

ClinVar aggregate classification (germline): Likely benign (1 of 4 stars; one submission).

Allele frequency attached by ClinVar (database versions not stated): 1000 Genomes Project 0.00260; 1000 Genomes Project 30x 0.00297; ESP Exome Variant Server 0.00544.
gnomAD v4.1: 11,681 of 1,612,802 alleles (0.72%); highest among the groups gnomAD compares: Non-Finnish European, 0.87%; 55 homozygotes.

Submission:

CeGaT Center for Human Genetics Tuebingen
Classification: Likely benign. Last evaluated: 2023-03-01. Review status: criteria provided, single submitter. Criteria: CeGaT Center For Human Genetics Tuebingen Variant Classification Criteria Version 2. Collection method: clinical testing. Allele origin: germline. Affected: yes. Observed: 1 variant allele.
Comment: KIAA1549L: BP4, BP7, BS2

NM_012194.3(KIAA1549L):c.4260G>A (p.Pro1420=)

Gene: KIAA1549L (KIAA1549 like; plus strand). Cytogenetic location: 11p13.
Variant type: single nucleotide variant.
Coding change: c.4260G>A on transcript NM_012194.3 (MANE Select); coding-DNA position 4260, G replaced by A.
Protein change: p.Pro1420=; no amino-acid change (proline 1420 retained).
Molecular consequence: synonymous variant.
Genome position (GRCh38, 1-based): chr11:33,574,731, G>A. VCF-style: chr11-33574731-G-A. GRCh37 (hg19) VCF-style: chr11-33596277-G-A.
Other names: c.2070G>A, p.Pro690= (NM_001410965.1).
Identifiers: ClinVar variation 2641717 (VCV002641717.24), dbSNP rs139772715, ClinGen allele CA5939987.